The following is an entry in ClinVar:

NM_001371623.1(TCOF1):c.1712C>T (p.Ser571Phe)

Gene: TCOF1 (treacle ribosome biogenesis factor 1; plus strand). Cytogenetic location: 5q32.
Variant type: single nucleotide variant.
Coding change: c.1712C>T on transcript NM_001371623.1 (MANE Select); coding-DNA position 1712, C replaced by T.
Protein change: p.Ser571Phe; replaces serine 571 with phenylalanine.
Molecular consequence: missense variant.
Genome position (GRCh38, 1-based): chr5:150,375,728, C>T. VCF-style: chr5-150375728-C-T. GRCh37 (hg19) VCF-style: chr5-149755291-C-T.
Other names: c.1481C>T, p.Ser494Phe (NM_000356.4, NM_001135245.2); c.1712C>T, p.Ser571Phe (NM_001008657.3, NM_001135243.2, NM_001135244.2 and 1 more transcripts); short protein forms S494F, S571F.
Identifiers: ClinVar variation 3347713 (VCV003347713.1).

ClinVar aggregate classification (germline): Uncertain significance (0 of 4 stars; one submission).

Conditions:
TCOF1-related disorder. Also called: TCOF1-related condition.

gnomAD v4.1: 3 of 1,614,266 alleles (0.00019%); highest among the groups gnomAD compares: Non-Finnish European, 0.00025%; no homozygotes.

Submission:

PreventionGenetics, part of Exact Sciences
Classification: Uncertain significance for TCOF1-related condition. Last evaluated: 2024-05-09. Review status: no assertion criteria provided. Collection method: clinical testing. Allele origin: germline.
Comment: The TCOF1 c.1712C>T variant is predicted to result in the amino acid substitution p.Ser571Phe. To our knowledge, this variant has not been reported in the literature or in a large population database, indicating this variant is rare. At this time, the clinical significance of this variant is uncertain due to the absence of conclusive functional and genetic evidence.